The following is an entry in ClinVar:

NM_183381.3(RNF13):c.34G>A (p.Ala12Thr)

Gene: RNF13 (ring finger protein 13; plus strand). Cytogenetic location: 3q25.1.
Variant type: single nucleotide variant.
Coding change: c.34G>A on transcript NM_183381.3 (MANE Select); coding-DNA position 34, G replaced by A.
Protein change: p.Ala12Thr; replaces alanine 12 with threonine.
Molecular consequence: missense variant. On other transcripts: 5 prime UTR variant (4), non-coding transcript variant (1), intron variant (2).
Genome position (GRCh38, 1-based): chr3:149,846,060, G>A. VCF-style: chr3-149846060-G-A. GRCh37 (hg19) VCF-style: chr3-149563847-G-A.
Other names: c.34G>A, p.Ala12Thr (NM_001378285.1, NM_001378286.1, NM_007282.4); c.-334G>A (NM_001378287.1, NM_001378288.1, NM_001378289.1 and 1 more transcripts); c.-253-6456G>A (NM_183383.2); c.-279-6456G>A (NM_001378291.1); short protein forms A12T.
Identifiers: ClinVar variation 1329512 (VCV001329512.2), dbSNP rs2108375461, ClinGen allele CA355011546.
Genomic context (GRCh38, chr3:149,846,060, plus strand): 5'-TTGTCTTCCAGGTGATTTTACAACGAGATGCTGCTCTCCATAGGGATGCTCATGCTGTCA[G>A]CCACACAAGTCTACACCATCTTGACTGTCCAGCTCTTTGCATTCTTAAACCTACTGCCTG-3'
Protein context (NP_899237.1, residues 2-22): LLSIGMLMLS[Ala12Thr]TQVYTILTVQ

ClinVar aggregate classification (germline): Uncertain significance (1 of 4 stars; one submission).

Submission:

GeneDx
Classification: Uncertain significance. Last evaluated: 2021-06-22. Review status: criteria provided, single submitter. Criteria: GeneDx Variant Classification Process June 2021. Collection method: clinical testing. Allele origin: germline. Affected: yes.
Comment: Not observed at significant frequency in large population cohorts (Lek et al., 2016); In silico analysis supports that this missense variant does not alter protein structure/function; Has not been previously published as pathogenic or benign to our knowledge; This variant is associated with the following publications: (PMID: 27535533)